The following is an entry in ClinVar:

NM_152643.8(KNDC1):c.2112C>T (p.Gly704=)

Gene: KNDC1 (kinase non-catalytic C-lobe domain containing 1; plus strand). Cytogenetic location: 10q26.3.
Variant type: single nucleotide variant.
Coding change: c.2112C>T on transcript NM_152643.8 (MANE Select); coding-DNA position 2112, C replaced by T.
Protein change: p.Gly704=; no amino-acid change (glycine 704 retained).
Molecular consequence: synonymous variant.
Genome position (GRCh38, 1-based): chr10:133,198,620, C>T. VCF-style: chr10-133198620-C-T. GRCh37 (hg19) VCF-style: chr10-135012124-C-T.
Other names: c.2112C>T, p.Gly704= (NM_033404.2).
Identifiers: ClinVar variation 2641000 (VCV002641000.24), dbSNP rs1194960728, ClinGen allele CA471965488.

ClinVar aggregate classification (germline): Likely benign (1 of 4 stars; one submission).

Allele frequency attached by ClinVar (database versions not stated): gnomAD exomes 0.00001; gnomAD 0.00002; TOPMed 0.00003.
gnomAD v4.1: 19 of 1,601,768 alleles (0.0012%); highest among the groups gnomAD compares: Admixed American, 0.0068%; no homozygotes.

Submission:

CeGaT Center for Human Genetics Tuebingen
Classification: Likely benign. Last evaluated: 2022-04-01. Review status: criteria provided, single submitter. Criteria: CeGaT Center For Human Genetics Tuebingen Variant Classification Criteria Version 2. Collection method: clinical testing. Allele origin: germline. Affected: yes. Observed: 1 variant allele.
Comment: KNDC1: BP4, BP7